The following is an entry in ClinVar:

NM_001024630.4(RUNX2):c.539C>A (p.Ala180Glu)

Gene: RUNX2 (RUNX family transcription factor 2; plus strand). Cytogenetic location: 6p21.1.
Variant type: single nucleotide variant.
Coding change: c.539C>A on transcript NM_001024630.4 (MANE Select); coding-DNA position 539, C replaced by A.
Protein change: p.Ala180Glu; replaces alanine 180 with glutamic acid.
Molecular consequence: missense variant.
Genome position (GRCh38, 1-based): chr6:45,431,978, C>A. VCF-style: chr6-45431978-C-A. GRCh37 (hg19) VCF-style: chr6-45399715-C-A.
Other names: c.539C>A, p.Ala180Glu (NM_001015051.4); c.497C>A, p.Ala166Glu (NM_001278478.2, NM_001369405.1); short protein forms A166E, A180E.
Identifiers: ClinVar variation 1175725 (VCV001175725.4), dbSNP rs2150368229, ClinGen allele CA363960303.

ClinVar aggregate classification (germline): Pathogenic (1 of 4 stars; one submission).

Conditions:
Cleidocranial dysostosis (CLCD1). Also called: cleidocranial dysplasia 1; Cleidocranial Dysplasia Spectrum Disorder; Marie-Sainton disease. Identifiers: Orphanet 1452, MedGen C0008928, MONDO:0007340, OMIM 119600.

Submission:

Tianjin Key Laboratory of Birth Defects for Prevention and Treatment, Tianjin Children’s Hospital
Classification: Pathogenic for Cleidocranial dysostosis. Last evaluated: 2021-06-17. Review status: criteria provided, single submitter. Criteria: ACMG Guidelines, 2015. Collection method: in vivo. Allele origin: de novo. Inheritance: Autosomal dominant inheritance. Affected: yes. Observed: 1 variant allele, 1 heterozygote.
Comment: Cleidocranial dysplasia (CCD; OMIM 119600) is a rare autosomal dominant skeletal disease caused by variants in RUNX2 gene. Imaging examination showed short shape of the right clavicle and fracture of the left clavicle. Additionally, in vitro functional studies indicate that the A180E variant disrupts normal transactivation. The A180E variant meets the criteria to be classified as pathogenic.